The following is an entry in ClinVar:

NM_001171613.2(PREPL):c.-49+1734C>T

Gene: PREPL (prolyl endopeptidase like; minus strand). Cytogenetic location: 2p21.
Variant type: single nucleotide variant.
Coding change: c.-49+1734C>T on transcript NM_001171613.2 (MANE Select); 1734 bases into the intron after 49 bases upstream of the start codon, C replaced by T.
Molecular consequence: intron variant. On other transcripts: nonsense (7).
Genome position (GRCh38, 1-based): chr2:44,359,646, G>A on the plus strand (C>T on the coding strand, the complement: PREPL is on the minus strand). VCF-style: chr2-44359646-G-A. GRCh37 (hg19) VCF-style: chr2-44586785-G-A.
Other names: c.70C>T, p.Gln24Ter (NM_001042385.2, NM_001042386.2, NM_001171603.1 and 4 more transcripts); c.-49+1878C>T (NM_001171617.1); c.-49+1771C>T (NM_001374277.1); short protein forms Q24*.
Identifiers: ClinVar variation 1459969 (VCV001459969.8), dbSNP rs374594354, ClinGen allele CA346695051.

ClinVar aggregate classification (germline): Pathogenic/Likely pathogenic. Review status: criteria provided, multiple submitters, no conflicts (2 of 4 stars). 2 submissions from 2 submitters: Pathogenic (1); Likely pathogenic (1). Last evaluated 2022-08-03.

Conditions:
Myasthenic syndrome, congenital, 22 (CMS22). Also called: PREPL DEFICIENCY. Identifiers: MedGen C4479088, MONDO:0044299, OMIM 616224.

Allele frequency attached by ClinVar (database versions not stated): TOPMed below 0.00001; gnomAD 0.00001; gnomAD exomes 0.00002.
gnomAD v4.1: 35 of 1,612,876 alleles (0.0022%); highest among the groups gnomAD compares: Non-Finnish European, 0.0029%; no homozygotes.

Submissions (2):

Revvity Omics, Revvity
Classification: Likely pathogenic for Myasthenic syndrome, congenital, 22. Last evaluated: 2022-08-03. Review status: criteria provided, single submitter. Criteria: ACMG Guidelines, 2015. Collection method: clinical testing. Allele origin: germline.

Labcorp Genetics (formerly Invitae), Labcorp
Classification: Pathogenic for Myasthenic syndrome, congenital, 22. Last evaluated: 2021-06-01. Review status: criteria provided, single submitter. Criteria: Invitae Variant Classification Sherloc (09022015). Collection method: clinical testing. Allele origin: germline.
Comment: This sequence change creates a premature translational stop signal (p.Gln24*) in the PREPL gene. It is expected to result in an absent or disrupted protein product. Loss-of-function variants in PREPL are known to be pathogenic (PMID: 24610330, 28726805, 29913539). This variant is not present in population databases (ExAC no frequency). This variant has not been reported in the literature in individuals with PREPL-related conditions. For these reasons, this variant has been classified as Pathogenic.

Literature cited by the submitters: PubMed 24610330 (cited by Labcorp Genetics (formerly Invitae), Labcorp); PubMed 28726805 (cited by Labcorp Genetics (formerly Invitae), Labcorp); PubMed 29913539 (cited by Labcorp Genetics (formerly Invitae), Labcorp).